The following is an entry in ClinVar:

NM_000021.4(PSEN1):c.308_310del (p.Val103_Ser104delinsGly)

Gene: PSEN1 (presenilin 1; plus strand). Cytogenetic location: 14q24.2.
Variant type: Deletion.
Coding change: c.308_310del on transcript NM_000021.4 (MANE Select); coding-DNA positions 308 to 310, 3 bases deleted (TCA; older notation c.308_310delTCA).
Protein change: p.Val103_Ser104delinsGly.
Molecular consequence: inframe indel.
Genome position (GRCh38, 1-based): chr14:73,171,017-73,171,019, TCA deleted. VCF-style (leftmost placement, unchanged base first): chr14-73171016-GTCA-G. GRCh37 (hg19) VCF-style: chr14-73637724-GTCA-G.
Other names: c.296_298del, p.Val99_Ser100delinsGly (NM_007318.3).
Identifiers: ClinVar variation 2017451 (VCV002017451.4), dbSNP rs2503063539, ClinGen allele CA2580088693.

ClinVar aggregate classification (germline): Uncertain significance (1 of 4 stars; one submission).

Conditions:
Alzheimer disease 3 (AD3). Also called: ALZHEIMER DISEASE, FAMILIAL, 3. Identifiers: Orphanet 1020, MedGen C1843013, MONDO:0011913, OMIM 607822.
Pick disease. Also called: Pick Disease of the Brain; Pick's disease; PICK DISEASE OF BRAIN; DEMENTIA WITH LOBAR ATROPHY AND NEURONAL CYTOPLASMIC INCLUSIONS; LOBAR ATROPHY OF BRAIN. Identifiers: Orphanet 282, MedGen C0236642, MONDO:0008243, OMIM 172700.
Frontotemporal dementia (FTD1). Also called: Frontotemporal lobe dementia (FLDEM); FRONTOTEMPORAL DEMENTIA WITH PARKINSONISM; FRONTOTEMPORAL LOBE DEMENTIA; FRONTOTEMPORAL LOBAR DEGENERATION WITH TAU INCLUSIONS; FTLD WITH TAU INCLUSIONS; Frontotemporal Dementia with Parkinsonism-17 (FTDP-17). Identifiers: Orphanet 282, MedGen C0338451, MONDO:0017276, OMIM 600274, HP:0002145.
Acne inversa, familial, 3 (ACNINV3). Identifiers: MedGen C3151038, MONDO:0013398, OMIM 613737.

Submission:

Labcorp Genetics (formerly Invitae), Labcorp
Classification: Uncertain significance for Alzheimer disease 3; Pick disease; Acne inversa, familial, 3; Frontotemporal dementia. Last evaluated: 2022-07-15. Review status: criteria provided, single submitter. Criteria: Invitae Variant Classification Sherloc (09022015). Collection method: clinical testing. Allele origin: germline.
Comment: In summary, the available evidence is currently insufficient to determine the role of this variant in disease. Therefore, it has been classified as a Variant of Uncertain Significance. This variant disrupts the p.Val103 amino acid residue in PSEN1. Other variant(s) that disrupt this residue have been determined to be pathogenic (PMID: 30822634; Invitae). This suggests that this residue is clinically significant, and that variants that disrupt this residue are likely to be disease-causing. Experimental studies and prediction algorithms are not available or were not evaluated, and the functional significance of this variant is currently unknown. This variant has been observed in individual(s) with clinical features of PSEN1-related conditions (Invitae). This variant is not present in population databases (gnomAD no frequency). This variant, c.308_310del, is a complex sequence change that results in the deletion of 2 and insertion of 1 amino acid(s) in the PSEN1 protein (p.Val103_Ser104delinsGly).

Literature cited by the submitters: PubMed 30822634.